The following is an entry in ClinVar:

NM_001042492.3(NF1):c.4617_4630dup (p.Ala1544fs)

Gene: NF1 (neurofibromin 1; plus strand). Cytogenetic location: 17q11.2.
Variant type: Duplication.
Coding change: c.4617_4630dup on transcript NM_001042492.3 (MANE Select); coding-DNA positions 4617 to 4630, 14 bases duplicated (GGCAACACTTCTTG).
Protein change: p.Ala1544fs; shifts the reading frame from alanine 1544.
Molecular consequence: frameshift variant.
Genome position (GRCh38, 1-based): chr17:31,261,750-31,261,763, GGCAACACTTCTTG duplicated. VCF-style (leftmost placement, unchanged base first): chr17-31261749-T-TGGCAACACTTCTTG. GRCh37 (hg19) VCF-style: chr17-29588767-T-TGGCAACACTTCTTG.
Other names: c.4554_4567dupGGCAACACTTCTTG (NM_000267.3); c.4554_4567dup, p.Ala1523Glyfs (NM_000267.4); short protein forms A1544fs, A1523fs.
Identifiers: ClinVar variation 574435 (VCV000574435.5), dbSNP rs1567863580, ClinGen allele CA891843828.
Genomic context (GRCh38, chr17:31,261,749, plus strand): 5'-CTAAGTAGTTTGCTGTATCTAGGGATCATAAAGCTGTTGGAAGACGACCTTTTGATAAGA[T>TGGCAACACTTCTTG]GGCAACACTTCTTGCATACCTGGGTCCTCCAGAGCACAAACCTGTGGCAGATACACACTG-3'

ClinVar aggregate classification (germline): Pathogenic (1 of 4 stars; one submission).

Conditions:
Neurofibromatosis, type 1 (NF1). Also called: Peripheral type neurofibromatosis; VON RECKLINGHAUSEN DISEASE; Neurofibromatosis, type I; NEUROFIBROMATOSIS, TYPE I, SOMATIC. Identifiers: Orphanet 636, MedGen C0027831, MONDO:0018975, OMIM 162200. Disease mechanism: loss of function.

Submission:

Labcorp Genetics (formerly Invitae), Labcorp
Classification: Pathogenic for Neurofibromatosis, type 1. Last evaluated: 2018-05-30. Review status: criteria provided, single submitter. Criteria: Invitae Variant Classification Sherloc (09022015). Collection method: clinical testing. Allele origin: germline.
Comment: Loss-of-function variants in NF1 are known to be pathogenic (PMID: 10712197, 23913538). This sequence change creates a premature translational stop signal (p.Ala1523Glyfs*35) in the NF1 gene. It is expected to result in an absent or disrupted protein product. This variant is not present in population databases (ExAC no frequency). This variant has not been reported in the literature in individuals with NF1-related disease. For these reasons, this variant has been classified as Pathogenic.

Literature cited by the submitters: PubMed 10712197; PubMed 23913538.